The following is an entry in ClinVar:

NM_020745.4(AARS2):c.455C>A (p.Ala152Asp)

Gene: AARS2 (alanyl-tRNA synthetase 2, mitochondrial; minus strand). Cytogenetic location: 6p21.1.
Variant type: single nucleotide variant.
Coding change: c.455C>A on transcript NM_020745.4 (MANE Select); coding-DNA position 455, C replaced by A.
Protein change: p.Ala152Asp; replaces alanine 152 with aspartic acid.
Molecular consequence: missense variant.
Genome position (GRCh38, 1-based): chr6:44,311,516, G>T on the plus strand (C>A on the coding strand, the complement: AARS2 is on the minus strand). VCF-style: chr6-44311516-G-T. GRCh37 (hg19) VCF-style: chr6-44279253-G-T.
Other names: short protein forms A152D.
Identifiers: ClinVar variation 2634748 (VCV002634748.1), dbSNP rs2153357333, ClinGen allele CA364341397.

ClinVar aggregate classification (germline): Uncertain significance (1 of 4 stars; one submission).

Conditions:
AARS2-related disorder. Also called: AARS2-related condition; AARS2-related disorders. Identifiers: MedGen CN381518, MONDO:1060240.

Allele frequency attached by ClinVar (database versions not stated): gnomAD exomes below 0.00001.
gnomAD v4.1: 1 of 1,613,434 alleles (0.000062%); highest among the groups gnomAD compares: South Asian, 0.0011%; no homozygotes.

Submission:

PreventionGenetics, part of Exact Sciences
Classification: Uncertain significance for AARS2-related condition. Last evaluated: 2023-07-21. Review status: criteria provided, single submitter. Criteria: ACMG Guidelines, 2015. Collection method: clinical testing. Allele origin: germline.
Comment: The AARS2 c.455C>A variant is predicted to result in the amino acid substitution p.Ala152Asp. This variant was reported in a patient in a study of mitochondrial diseases, but no phenotype information was provided (Kerr et al. 2020. PMID: 32980267). This variant has not been reported in the literature or in a large population database. This variant is not reported in ClinVar. At this time, the clinical significance of this variant is uncertain due to the absence of conclusive functional and genetic evidence.